The following is an entry in ClinVar:

ClinVar aggregate classification (germline): Uncertain significance (1 of 4 stars; one submission).

Conditions:
Congenital disorder of deglycosylation (CDDG). Identifiers: MedGen C3808991, MONDO:0031376.

Allele frequency attached by ClinVar (database versions not stated): gnomAD exomes below 0.00001; TOPMed 0.00001.
gnomAD v4.1: 5 of 1,613,738 alleles (0.00031%); highest among the groups gnomAD compares: African/African-American, 0.0027%; no homozygotes.

Submission:

Labcorp Genetics (formerly Invitae), Labcorp
Classification: Uncertain significance for Congenital disorder of deglycosylation. Last evaluated: 2022-08-16. Review status: criteria provided, single submitter. Criteria: Invitae Variant Classification Sherloc (09022015). Collection method: clinical testing. Allele origin: germline.
Comment: This sequence change replaces valine, which is neutral and non-polar, with isoleucine, which is neutral and non-polar, at codon 323 of the NGLY1 protein (p.Val323Ile). This variant is not present in population databases (gnomAD no frequency). This variant has not been reported in the literature in individuals affected with NGLY1-related conditions. ClinVar contains an entry for this variant (Variation ID: 640855). Algorithms developed to predict the effect of missense changes on protein structure and function (SIFT, PolyPhen-2, Align-GVGD) all suggest that this variant is likely to be tolerated. In summary, the available evidence is currently insufficient to determine the role of this variant in disease. Therefore, it has been classified as a Variant of Uncertain Significance.

NM_018297.4(NGLY1):c.967G>A (p.Val323Ile)

Gene: NGLY1 (N-glycanase 1; minus strand). Cytogenetic location: 3p24.2.
Variant type: single nucleotide variant.
Coding change: c.967G>A on transcript NM_018297.4 (MANE Select); coding-DNA position 967, G replaced by A.
Protein change: p.Val323Ile; replaces valine 323 with isoleucine.
Molecular consequence: missense variant.
Genome position (GRCh38, 1-based): chr3:25,737,370, C>T on the plus strand (G>A on the coding strand, the complement: NGLY1 is on the minus strand). VCF-style: chr3-25737370-C-T. GRCh37 (hg19) VCF-style: chr3-25778861-C-T.
Other names: c.967G>A, p.Val323Ile (NM_001145293.2, NM_001145295.2); c.841G>A, p.Val281Ile (NM_001145294.2); short protein forms V281I, V323I.
Identifiers: ClinVar variation 640855 (VCV000640855.5), dbSNP rs1279950302, ClinGen allele CA351901928.